The following is an entry in ClinVar:

ClinVar aggregate classification (germline): Uncertain significance (1 of 4 stars; one submission).

gnomAD v4.1: 1 of 1,614,030 alleles (0.000062%); highest among the groups gnomAD compares: Non-Finnish European, 0.000085%; no homozygotes.

Submission:

Labcorp Genetics (formerly Invitae), Labcorp
Classification: Uncertain significance. Last evaluated: 2024-06-06. Review status: criteria provided, single submitter. Criteria: Invitae Variant Classification Sherloc (09022015). Collection method: clinical testing. Allele origin: germline.
Comment: This sequence change replaces serine, which is neutral and polar, with asparagine, which is neutral and polar, at codon 380 of the TRIP13 protein (p.Ser380Asn). This variant is not present in population databases (gnomAD no frequency). This variant has not been reported in the literature in individuals affected with TRIP13-related conditions. An algorithm developed to predict the effect of missense changes on protein structure and function (PolyPhen-2) suggests that this variant is likely to be disruptive. In summary, the available evidence is currently insufficient to determine the role of this variant in disease. Therefore, it has been classified as a Variant of Uncertain Significance.

NM_004237.4(TRIP13):c.1139G>A (p.Ser380Asn)

Gene: TRIP13 (thyroid hormone receptor interactor 13; plus strand). Cytogenetic location: 5p15.33.
Variant type: single nucleotide variant.
Coding change: c.1139G>A on transcript NM_004237.4 (MANE Select); coding-DNA position 1139, G replaced by A.
Protein change: p.Ser380Asn; replaces serine 380 with asparagine.
Molecular consequence: missense variant.
Genome position (GRCh38, 1-based): chr5:915,909, G>A. VCF-style: chr5-915909-G-A. GRCh37 (hg19) VCF-style: chr5-916024-G-A.
Other names: short protein forms S380N.
Identifiers: ClinVar variation 3640618 (VCV003640618.2).